The following is an entry in ClinVar:

ClinVar aggregate classification (germline): Likely benign. Review status: criteria provided, multiple submitters, no conflicts (2 of 4 stars). 4 submissions from 4 submitters: Likely benign (3). 1 of the submissions does not count toward it. Last evaluated 2026-01-20.

Conditions:
Joubert syndrome 8 (JBTS8). Identifiers: Orphanet 475, MedGen C2676771, MONDO:0012855, OMIM 612291.

Allele frequency attached by ClinVar (database versions not stated): gnomAD 0.00046 and 0.00047; TOPMed 0.00051; ESP Exome Variant Server 0.00085; 1000 Genomes Project 0.00100; 1000 Genomes Project 30x 0.00156.
gnomAD v4.1: 139 of 1,611,780 alleles (0.0086%); highest among the groups gnomAD compares: African/African-American, 0.17%; no homozygotes.

Submissions (4):

Labcorp Genetics (formerly Invitae), Labcorp
Classification: Likely benign for Joubert syndrome 8. Last evaluated: 2026-01-20. Review status: criteria provided, single submitter. Criteria: Invitae Variant Classification Sherloc (09022015). Collection method: clinical testing. Allele origin: germline.

Blueprint Genetics
Classification: Likely benign. Last evaluated: 2022-11-30. Review status: criteria provided, single submitter. Criteria: ACMG Guidelines, 2015. Collection method: clinical testing. Allele origin: germline.

GeneDx
Classification: Likely benign. Last evaluated: 2016-12-01. Review status: criteria provided, single submitter. Criteria: GeneDx Variant Classification (06012015). Collection method: clinical testing. Allele origin: germline. Affected: yes.
Comment: This variant is considered likely benign or benign based on one or more of the following criteria: it is a conservative change, it occurs at a poorly conserved position in the protein, it is predicted to be benign by multiple in silico algorithms, and/or has population frequency not consistent with disease.

Genetic Services Laboratory, University of Chicago
Classification: Likely benign. Last evaluated: 2022-12-19. Review status: no assertion criteria provided. Collection method: clinical testing. Allele origin: germline. Affected: no. Not counted in ClinVar's aggregate classification.

NM_001174150.2(ARL13B):c.130+7T>C

Gene: ARL13B (ARF like GTPase 13B; plus strand). Cytogenetic location: 3q11.1.
Variant type: single nucleotide variant.
Coding change: c.130+7T>C on transcript NM_001174150.2 (MANE Select); 7 bases into the intron after coding-DNA position 130, T replaced by C.
Molecular consequence: intron variant.
Genome position (GRCh38, 1-based): chr3:93,995,951, T>C. VCF-style: chr3-93995951-T-C. GRCh37 (hg19) VCF-style: chr3-93714795-T-C.
Other names: c.-38+7T>C (NM_001321328.2); c.130+7T>C (NM_182896.3); c.-179-7708T>C (NM_001174151.2); c.59+15469T>C (NM_144996.4).
Identifiers: ClinVar variation 391313 (VCV000391313.13), dbSNP rs200527262, ClinGen allele CA2503767.